The following is an entry in ClinVar:

ClinVar aggregate classification (germline): Uncertain significance (1 of 4 stars; one submission).

Conditions:
Cystic fibrosis (CF). Also called: MUCOVISCIDOSIS. Identifiers: Orphanet 586, MedGen C0010674, MONDO:0009061, OMIM 219700. Disease mechanism: loss of function.

Submission:

Labcorp Genetics (formerly Invitae), Labcorp
Classification: Uncertain significance for Cystic fibrosis. Last evaluated: 2022-02-10. Review status: criteria provided, single submitter. Criteria: Invitae Variant Classification Sherloc (09022015). Collection method: clinical testing. Allele origin: germline.
Comment: This sequence change replaces leucine, which is neutral and non-polar, with arginine, which is basic and polar, at codon 293 of the CFTR protein (p.Leu293Arg). This variant is not present in population databases (gnomAD no frequency). This variant has not been reported in the literature in individuals affected with CFTR-related conditions. Algorithms developed to predict the effect of missense changes on protein structure and function (SIFT, PolyPhen-2, Align-GVGD) all suggest that this variant is likely to be disruptive. In summary, the available evidence is currently insufficient to determine the role of this variant in disease. Therefore, it has been classified as a Variant of Uncertain Significance.

NM_000492.4(CFTR):c.878T>G (p.Leu293Arg)

Gene: CFTR (CF transmembrane conductance regulator; plus strand). Cytogenetic location: 7q31.2.
Variant type: single nucleotide variant.
Coding change: c.878T>G on transcript NM_000492.4 (MANE Select); coding-DNA position 878, T replaced by G.
Protein change: p.Leu293Arg; replaces leucine 293 with arginine.
Molecular consequence: missense variant.
Genome position (GRCh38, 1-based): chr7:117,540,108, T>G. VCF-style: chr7-117540108-T-G. GRCh37 (hg19) VCF-style: chr7-117180162-T-G.
Other names: short protein forms L293R.
Identifiers: ClinVar variation 2078210 (VCV002078210.4), dbSNP rs2116683530, ClinGen allele CA368977881.